The following is an entry in ClinVar:

ClinVar aggregate classification (germline): Conflicting classifications of pathogenicity. Review status: criteria provided, conflicting classifications (1 of 4 stars). 3 submissions from 2 submitters: Uncertain significance (2); Likely benign (1). Last evaluated 2023-01-01.

Conditions:
Bardet-Biedl syndrome 11 (BBS11). Identifiers: Orphanet 110, MedGen C1859569, MONDO:0014439, OMIM 615988.
Sarcotubular myopathy (LGMDR8). Also called: MUSCULAR DYSTROPHY, LIMB-GIRDLE, AUTOSOMAL RECESSIVE 8; Autosomal recessive limb-girdle muscular dystrophy type 2H; Hutterite type of muscular dystrophy; Limb-girdle muscular dystrophy, type 2H. Identifiers: Orphanet 1878, MedGen C0270968, MONDO:0009683, OMIM 254110.

Allele frequency attached by ClinVar (database versions not stated): gnomAD below 0.00001 and 0.00017; TOPMed 0.00002; gnomAD exomes 0.00040; 1000 Genomes Project 30x 0.00062; 1000 Genomes Project 0.00080.
gnomAD v4.1: 46 of 206,674 alleles (0.022%); highest among the groups gnomAD compares: South Asian, 0.5%; 1 homozygote.

Submissions (3):

CeGaT Center for Human Genetics Tuebingen
Classification: Likely benign. Last evaluated: 2023-01-01. Review status: criteria provided, single submitter. Criteria: CeGaT Center For Human Genetics Tuebingen Variant Classification Criteria Version 2. Collection method: clinical testing. Allele origin: germline. Affected: yes. Observed: 1 variant allele.
Comment: ASTN2: BS1

Illumina Laboratory Services, Illumina
Classification: Uncertain significance for Bardet-Biedl syndrome 11. Last evaluated: 2018-01-13. Review status: criteria provided, single submitter. Criteria: ICSL Variant Classification Criteria 13 December 2019. Collection method: clinical testing. Allele origin: germline.

Illumina Laboratory Services, Illumina
Classification: Uncertain significance for Sarcotubular myopathy. Last evaluated: 2018-01-13. Review status: criteria provided, single submitter. Criteria: ICSL Variant Classification Criteria 13 December 2019. Collection method: clinical testing. Allele origin: germline.

NM_012210.4(TRIM32):c.*479G>T

Genes: ASTN2 (astrotactin 2; minus strand), TRIM32 (tripartite motif containing 32; plus strand). Cytogenetic location: 9q33.1.
Variant type: single nucleotide variant.
Coding change: c.*479G>T on transcript NM_012210.4 (MANE Select); 479 bases downstream of the stop codon, G replaced by T.
Molecular consequence: 3 prime UTR variant. On other transcripts: intron variant (3).
Genome position (GRCh38, 1-based): chr9:116,700,183, G>T. VCF-style: chr9-116700183-G-T. GRCh37 (hg19) VCF-style: chr9-119462462-G-T.
Other names: c.*479G>T (NM_001099679.2, NM_001379048.1, NM_001379049.1 and 1 more transcripts); c.2653+25588C>A (NM_014010.5); c.2794+25588C>A (NM_001365069.1); c.2806+25588C>A (NM_001365068.1).
Identifiers: ClinVar variation 364727 (VCV000364727.33), dbSNP rs543534409, ClinGen allele CA10632361.